The following is an entry in ClinVar:

ClinVar aggregate classification (germline): Uncertain significance. Review status: criteria provided, multiple submitters, no conflicts (2 of 4 stars). 2 submissions from 2 submitters: Uncertain significance (2). Last evaluated 2024-05-29.

Allele frequency attached by ClinVar (database versions not stated): TOPMed below 0.00001.

Submissions (2):

GeneDx
Classification: Uncertain significance. Last evaluated: 2024-05-29. Review status: criteria provided, single submitter. Criteria: GeneDx Variant Classification Process June 2021. Collection method: clinical testing. Allele origin: germline. Affected: yes.
Comment: Not observed at significant frequency in large population cohorts (gnomAD); In silico analysis indicates that this missense variant does not alter protein structure/function; Has not been previously published as pathogenic or benign to our knowledge

Laboratory for Molecular Medicine, Mass General Brigham Personalized Medicine
Classification: Uncertain significance. Last evaluated: 2017-09-14. Review status: criteria provided, single submitter. Criteria: LMM Criteria. Collection method: clinical testing. Allele origin: germline. Observed: 1 variant allele.
Comment: The p.Ile30Val variant in EYA1 has not been previously reported in individuals w ith hearing loss or in large population studies. Computational prediction tools and conservation analysis suggest that the variant may not impact the protein, t hough this information is not predictive enough to rule out pathogenicity. In su mmary, the clinical significance of the p.Ile30Val variant is uncertain.

NM_000503.6(EYA1):c.88A>G (p.Ile30Val)

Gene: EYA1 (EYA transcriptional coactivator and phosphatase 1; minus strand). Cytogenetic location: 8q13.3.
Variant type: single nucleotide variant.
Coding change: c.88A>G on transcript NM_000503.6 (MANE Select); coding-DNA position 88, A replaced by G.
Protein change: p.Ile30Val; replaces isoleucine 30 with valine.
Molecular consequence: missense variant. On other transcripts: 5 prime UTR variant (1).
Genome position (GRCh38, 1-based): chr8:71,354,818, T>C on the plus strand (A>G on the coding strand, the complement: EYA1 is on the minus strand). VCF-style: chr8-71354818-T-C. GRCh37 (hg19) VCF-style: chr8-72267053-T-C.
Other names: c.88A>G, p.Ile30Val (NM_001288574.2, NM_001370334.1, NM_001370335.1 and 1 more transcripts); c.-197A>G (NM_001288575.2); c.175A>G, p.Ile59Val (NM_001370333.1, NM_001370336.1, NM_172059.5); c.88A>G (NM_000503.4); short protein forms I30V, I59V.
Identifiers: ClinVar variation 517593 (VCV000517593.5), dbSNP rs1554565600, ClinGen allele CA371529332.